The following is an entry in ClinVar:

NM_001846.4(COL4A2):c.3802C>T (p.Pro1268Ser)

Gene: COL4A2 (collagen type IV alpha 2 chain; plus strand). Cytogenetic location: 13q34.
Variant type: single nucleotide variant.
Coding change: c.3802C>T on transcript NM_001846.4 (MANE Select); coding-DNA position 3802, C replaced by T.
Protein change: p.Pro1268Ser; replaces proline 1268 with serine.
Molecular consequence: missense variant.
Genome position (GRCh38, 1-based): chr13:110,501,709, C>T. VCF-style: chr13-110501709-C-T. GRCh37 (hg19) VCF-style: chr13-111154056-C-T.
Other names: short protein forms P1268S.
Identifiers: ClinVar variation 4082774 (VCV004082774.2).
Genomic context (GRCh38, chr13:110,501,709, plus strand): 5'-CTTCTGTTTTCATCCTAAGGGGAACGAGGCCCACCTGGGAGCCCAGGACTTCAGGGGTTC[C>T]CTGGTATCACACCCCCTTCCAACATCTCTGGGGCACCTGGTGACAAAGGGGCGCCAGGGA-3'
Protein context (NP_001837.2, residues 1258-1278): PPGSPGLQGF[Pro1268Ser]GITPPSNISG

ClinVar aggregate classification (germline): Uncertain significance (1 of 4 stars; one submission).

Submission:

GeneDx
Classification: Uncertain significance. Last evaluated: 2025-11-25. Review status: criteria provided, single submitter. Criteria: GeneDx Variant Classification Process June 2021. Collection method: clinical testing. Allele origin: germline.
Comment: Not observed at significant frequency in large population cohorts (gnomAD); In silico analysis supports that this missense variant has a deleterious effect on protein structure/function; Occurs in the triple helical domain at the Y position in the canonical Gly-X-Y repeat; although this variant may have an effect on normal protein folding and function, missense substitution at the Y position is not a common mechanism of disease; Has not been previously published as pathogenic or benign to our knowledge